The following is an entry in ClinVar:

ClinVar aggregate classification (germline): Uncertain significance. Review status: criteria provided, multiple submitters, no conflicts (2 of 4 stars). 3 submissions from 3 submitters: Uncertain significance (3). Last evaluated 2024-02-17.

Conditions:
Inborn genetic diseases. Identifiers: MedGen C0950123, MeSH D030342.
Brody myopathy. Also called: BRODY DISEASE. Identifiers: Orphanet 53347, MedGen C1832918, MONDO:0010977, OMIM 601003.

Allele frequency attached by ClinVar (database versions not stated): gnomAD 0.00001; TOPMed 0.00001; ExAC 0.00002.

Submissions (3):

Ambry Genetics
Classification: Uncertain significance for Inborn genetic diseases. Last evaluated: 2024-02-17. Review status: criteria provided, single submitter. Criteria: Ambry Variant Classification Scheme 2023. Collection method: clinical testing. Allele origin: germline.

Labcorp Genetics (formerly Invitae), Labcorp
Classification: Uncertain significance for Brody myopathy. Last evaluated: 2023-02-24. Review status: criteria provided, single submitter. Criteria: Invitae Variant Classification Sherloc (09022015). Collection method: clinical testing. Allele origin: germline.
Comment: In summary, the available evidence is currently insufficient to determine the role of this variant in disease. Therefore, it has been classified as a Variant of Uncertain Significance. An algorithm developed to predict the effect of missense changes on protein structure and function (PolyPhen-2) suggests that this variant is likely to be disruptive. This sequence change replaces proline, which is neutral and non-polar, with threonine, which is neutral and polar, at codon 811 of the ATP2A1 protein (p.Pro811Thr). This variant is present in population databases (rs200376448, gnomAD 0.05%). This variant has not been reported in the literature in individuals affected with ATP2A1-related conditions.

Revvity Omics, Revvity
Classification: Uncertain significance for Brody myopathy. Last evaluated: 2019-08-29. Review status: criteria provided, single submitter. Criteria: ACMG Guidelines, 2015. Collection method: clinical testing. Allele origin: germline.

NM_004320.6(ATP2A1):c.2431C>A (p.Pro811Thr)

Gene: ATP2A1 (ATPase sarcoplasmic/endoplasmic reticulum Ca2+ transporting 1; plus strand). Cytogenetic location: 16p11.2.
Variant type: single nucleotide variant.
Coding change: c.2431C>A on transcript NM_004320.6 (MANE Select); coding-DNA position 2431, C replaced by A.
Protein change: p.Pro811Thr; replaces proline 811 with threonine.
Molecular consequence: missense variant.
Genome position (GRCh38, 1-based): chr16:28,902,293, C>A. VCF-style: chr16-28902293-C-A. GRCh37 (hg19) VCF-style: chr16-28913614-C-A.
Other names: c.2056C>A, p.Pro686Thr (NM_001286075.2); c.2431C>A, p.Pro811Thr (NM_173201.5); short protein forms P686T, P811T.
Identifiers: ClinVar variation 2439368 (VCV002439368.5), dbSNP rs200376448, ClinGen allele CA7987257.